The following is an entry in ClinVar:

NM_001367823.1(ARHGEF18):c.1076C>T (p.Pro359Leu)

Gene: ARHGEF18 (Rho/Rac guanine nucleotide exchange factor 18; plus strand). Cytogenetic location: 19p13.2.
Variant type: single nucleotide variant.
Coding change: c.1076C>T on transcript NM_001367823.1 (MANE Select); coding-DNA position 1076, C replaced by T.
Protein change: p.Pro359Leu; replaces proline 359 with leucine.
Molecular consequence: missense variant.
Genome position (GRCh38, 1-based): chr19:7,440,452, C>T. VCF-style: chr19-7440452-C-T. GRCh37 (hg19) VCF-style: chr19-7505338-C-T.
Other names: c.350C>T, p.Pro117Leu (NM_001130955.2); c.38C>T, p.Pro13Leu (NM_001367824.1, NM_015318.4); short protein forms P359L, P117L, P13L.
Identifiers: ClinVar variation 863449 (VCV000863449.10), dbSNP rs751248837, ClinGen allele CA9136327.

ClinVar aggregate classification (germline): Uncertain significance. Review status: criteria provided, multiple submitters, no conflicts (2 of 4 stars). 2 submissions from 2 submitters: Uncertain significance (2). Last evaluated 2024-09-24.

Conditions:
Autosomal recessive retinitis pigmentosa. Identifiers: MedGen C0339526.
Inborn genetic diseases. Identifiers: MedGen C0950123, MeSH D030342.

Allele frequency attached by ClinVar (database versions not stated): ExAC 0.00001; gnomAD exomes 0.00001; gnomAD 0.00003 and 0.00004; TOPMed 0.00006.
gnomAD v4.1: 17 of 1,600,126 alleles (0.0011%); highest among the groups gnomAD compares: Admixed American, 0.0033%; no homozygotes.

Submissions (2):

Ambry Genetics
Classification: Uncertain significance for Inborn genetic diseases. Last evaluated: 2024-09-24. Review status: criteria provided, single submitter. Criteria: Ambry Variant Classification Scheme 2023. Collection method: clinical testing. Allele origin: germline.

Labcorp Genetics (formerly Invitae), Labcorp
Classification: Uncertain significance. Last evaluated: 2022-10-04. Review status: criteria provided, single submitter. Criteria: Invitae Variant Classification Sherloc (09022015). Collection method: clinical testing. Allele origin: germline.
Comment: This sequence change replaces proline, which is neutral and non-polar, with leucine, which is neutral and non-polar, at codon 171 of the ARHGEF18 protein (p.Pro171Leu). This variant is present in population databases (rs751248837, gnomAD 0.002%). This variant has not been reported in the literature in individuals affected with ARHGEF18-related conditions. ClinVar contains an entry for this variant (Variation ID: 863449). Algorithms developed to predict the effect of missense changes on protein structure and function output the following: SIFT: "Tolerated"; PolyPhen-2: "Benign"; Align-GVGD: "Class C0". The leucine amino acid residue is found in multiple mammalian species, which suggests that this missense change does not adversely affect protein function. In summary, the available evidence is currently insufficient to determine the role of this variant in disease. Therefore, it has been classified as a Variant of Uncertain Significance.